The following is an entry in ClinVar:

NC_000011.9:g.(?_108006357)_(108009701_?)del

Gene: ACAT1 (acetyl-CoA acetyltransferase 1; plus strand). Cytogenetic location: 11q22.3.
Variant type: Deletion.
Identifiers: ClinVar variation 2422143 (VCV002422143.4).

ClinVar aggregate classification (germline): Pathogenic (1 of 4 stars; one submission).

Conditions:
Deficiency of acetyl-CoA acetyltransferase. Also called: Beta-ketothiolase deficiency; MITOCHONDRIAL ACETOACETYL-CoA THIOLASE DEFICIENCY; 3-KETOTHIOLASE DEFICIENCY; 3-OXOTHIOLASE DEFICIENCY. Identifiers: Orphanet 134, MedGen C1536500, MONDO:0008760, OMIM 203750. Disease mechanism: loss of function.

Submission:

Labcorp Genetics (formerly Invitae), Labcorp
Classification: Pathogenic for Deficiency of acetyl-CoA acetyltransferase. Last evaluated: 2022-04-18. Review status: criteria provided, single submitter. Criteria: Invitae Variant Classification Sherloc (09022015). Collection method: clinical testing. Allele origin: germline.
Comment: This variant results in the deletion of part of exon 6 (c.435+388_512del) of the ACAT1 gene. It is expected to disrupt RNA splicing. Variants that disrupt the donor or acceptor splice site typically lead to a loss of protein function (PMID: 16199547), and loss-of-function variants in ACAT1 are known to be pathogenic (PMID: 7749408). This variant has not been reported in the literature in individuals affected with ACAT1-related conditions. This variant disrupts a region of the ACAT1 protein in which other variant(s) (p.Gly152Ala) have been determined to be pathogenic (PMID: 7749408, 15128923, 28255778). This suggests that this is a clinically significant region of the protein, and that variants that disrupt it are likely to be disease-causing. For these reasons, this variant has been classified as Pathogenic.

Literature cited by the submitters: PubMed 16199547; PubMed 7749408; PubMed 15128923; PubMed 28255778.